The following is an entry in ClinVar:

NM_003982.4(SLC7A7):c.1465T>C (p.Ser489Pro)

Gene: SLC7A7 (solute carrier family 7 member 7; minus strand). Cytogenetic location: 14q11.2.
Variant type: single nucleotide variant.
Coding change: c.1465T>C on transcript NM_003982.4 (MANE Select); coding-DNA position 1465, T replaced by C.
Protein change: p.Ser489Pro; replaces serine 489 with proline.
Molecular consequence: missense variant.
Genome position (GRCh38, 1-based): chr14:22,773,681, A>G on the plus strand (T>C on the coding strand, the complement: SLC7A7 is on the minus strand). VCF-style: chr14-22773681-A-G. GRCh37 (hg19) VCF-style: chr14-23242890-A-G.
Other names: c.1465T>C, p.Ser489Pro (NM_001126105.3, NM_001126106.4); c.1465T>C (NM_001126106.2); short protein forms S489P.
Identifiers: ClinVar variation 56362 (VCV000056362.4), dbSNP rs386833810, ClinGen allele CA263801.

ClinVar aggregate classification (germline): Conflicting classifications of pathogenicity. Review status: criteria provided, conflicting classifications (1 of 4 stars). 3 submissions from 3 submitters: Likely pathogenic (1); Uncertain significance (1). 1 of the submissions does not count toward it. Last evaluated 2024-05-19.

Conditions:
Lysinuric protein intolerance (LPI). Identifiers: Orphanet 470, MedGen C0268647, MONDO:0009109, OMIM 222700.

Submissions (3):

Fulgent Genetics
Classification: Likely pathogenic for Lysinuric protein intolerance. Last evaluated: 2024-05-19. Review status: criteria provided, single submitter. Criteria: ACMG Guidelines, 2015. Collection method: clinical testing. Allele origin: germline.

Women's Health and Genetics/Laboratory Corporation of America, LabCorp
Classification: Uncertain significance. Last evaluated: 2024-05-15. Review status: criteria provided, single submitter. Criteria: LabCorp Variant Classification Summary - May 2015. Collection method: clinical testing. Allele origin: germline.
Comment: Variant summary: SLC7A7 c.1465T>C (p.Ser489Pro) results in a non-conservative amino acid change in the encoded protein sequence. Three of five in-silico tools predict a damaging effect of the variant on protein function. The variant was absent in 251468 control chromosomes. c.1465T>C has been reported in the literature in individuals affected with Lysinuric Protein Intolerance (example: Shoji_2002). These data indicate that the variant may be associated with disease. To our knowledge, no experimental evidence demonstrating an impact on protein function has been reported. The following publication have been ascertained in the context of this evaluation (PMID: 12402335). ClinVar contains an entry for this variant (Variation ID: 56362). Based on the evidence outlined above, the variant was classified as VUS-possibly pathogenic.

Juha Muilu Group; Institute for Molecular Medicine Finland (FIMM)
Classification: Likely pathogenic for Lysinuric protein intolerance. Review status: no assertion criteria provided. Collection method: not provided. Allele origin: unknown. Not counted in ClinVar's aggregate classification.
Comment: FinDis database variant: This variant was not found or characterized by our laboratory, data were collected from public sources: see reference
ClinVar note: Converted during submission from probable-pathogenic to Likely pathogenic.

Literature cited by the submitters: PubMed 12402335 (cited by Women's Health and Genetics/Laboratory Corporation of America, LabCorp).